The following is an entry in ClinVar:

ClinVar aggregate classification (germline): Uncertain significance (1 of 4 stars; one submission).

Conditions:
Hereditary cancer-predisposing syndrome. Also called: Tumor predisposition; Hereditary Cancer Syndrome; Neoplastic Syndromes, Hereditary; Hereditary neoplastic syndrome. Identifiers: Orphanet 140162, MedGen C0027672, MeSH D009386, MONDO:0015356.

Submission:

Color Diagnostics, LLC DBA Color Health
Classification: Uncertain significance for Hereditary cancer-predisposing syndrome. Last evaluated: 2025-08-07. Review status: criteria provided, single submitter. Criteria: ACMG Guidelines, 2015. Collection method: clinical testing. Allele origin: germline.
Comment: This missense variant replaces glutamine with proline at codon 706 of the CDH1 protein. To our knowledge, functional studies have not been reported for this variant. This variant has not been reported in individuals affected with CDH1-related disorders in the literature. This variant has not been identified in the general population by the Genome Aggregation Database (gnomAD). The available evidence is insufficient to determine the role of this variant in disease conclusively. Therefore, this variant is classified as a Variant of Uncertain Significance.

NM_004360.5(CDH1):c.2117A>C (p.Gln706Pro)

Gene: CDH1 (cadherin 1; plus strand). Cytogenetic location: 16q22.1.
Variant type: single nucleotide variant.
Coding change: c.2117A>C on transcript NM_004360.5 (MANE Select); coding-DNA position 2117, A replaced by C.
Protein change: p.Gln706Pro; replaces glutamine 706 with proline.
Molecular consequence: missense variant.
Genome position (GRCh38, 1-based): chr16:68,823,579, A>C. VCF-style: chr16-68823579-A-C. GRCh37 (hg19) VCF-style: chr16-68857482-A-C.
Other names: c.1934A>C, p.Gln645Pro (NM_001317184.2); c.569A>C, p.Gln190Pro (NM_001317185.2); c.152A>C, p.Gln51Pro (NM_001317186.2); short protein forms Q190P, Q51P, Q645P, Q706P.
Identifiers: ClinVar variation 4758187 (VCV004758187.1).